The following continues an entry in ClinVar:

NM_000277.3(PAH):c.964G>A (p.Ala322Thr)

Gene: PAH. ClinVar aggregate classification (germline): Pathogenic. Pathogenic (1).

Submissions 7 to 13 of 13:

Women's Health and Genetics/Laboratory Corporation of America, LabCorp
Classification: Pathogenic for 6-Pyruvoyl-tetrahydrobiopterin synthase deficiency. Last evaluated: 2024-09-30. Review status: criteria provided, single submitter. Criteria: LabCorp Variant Classification Summary - May 2015. Collection method: clinical testing. Allele origin: germline. Not counted in ClinVar's aggregate classification.
Comment: Variant summary: PAH c.964G>A (p.Ala322Thr) results in a non-conservative amino acid change located in the Aromatic amino acid hydroxylase, C-terminal domain (IPR019774) of the encoded protein sequence. Five of five in-silico tools predict a damaging effect of the variant on protein function. The variant allele was found at a frequency of 7.2e-05 in 251230 control chromosomes. This frequency is not significantly higher than estimated for a pathogenic variant in PAH causing Hyperphenylalaninemia, allowing no conclusion about variant significance. c.964G>A has been reported in the literature in multiple compound heterzygous individuals affected with Hyperphenylalaninemia (e.g. Polak_2013, Li_2018, Aldamiz-Echevarria_2016, Wang_2021, Hillert_2020). These data indicate that the variant is very likely to be associated with disease. At least one publication reports experimental evidence evaluating an impact on protein function. The most pronounced variant effect results in approximately 20% of normal phenylalanine hydroxylase activity in vitro (Ho_2008). The following publications have been ascertained in the context of this evaluation (PMID: 27121329, 32668217, 18590700, 30050108, 23764561, 33980295). ClinVar contains an entry for this variant (Variation ID: 102912). Based on the evidence outlined above, the variant was classified as pathogenic.

Quest Diagnostics Nichols Institute San Juan Capistrano
Classification: Pathogenic. Last evaluated: 2024-06-26. Review status: criteria provided, single submitter. Criteria: Quest Diagnostics criteria. Collection method: clinical testing. Allele origin: unknown. Not counted in ClinVar's aggregate classification.
Comment: The PAH c.964G>A (p.Ala322Thr) variant has been reported in the published literature in several individuals affected with mild hyperphenylalaninemia (MHP) and is described to be BH4-responsive (PMIDs: 26322415 (2015), 26503515 (2015), 28982351 (2017), 32668217 (2020), 33980295 (2021), 36104584 (2022)). Functional studies have shown that this variant retains some enzyme activity (PMID: 18590700 (2008) and BIOPKU). The frequency of this variant in the general population, 0.00026 (8/30612 chromosomes (Genome Aggregation Database)), is consistent with pathogenicity. Based on the available information, this variant is classified as pathogenic.

Blueprint Genetics
Classification: Pathogenic for PAH-related disorders. Last evaluated: 2023-09-18. Review status: criteria provided, single submitter. Criteria: ACMG Guidelines, 2015. Collection method: clinical testing. Allele origin: germline. Affected: yes. Observed: 2 variant alleles. Not counted in ClinVar's aggregate classification.

Ambry Genetics
Classification: Pathogenic for Inborn genetic diseases. Last evaluated: 2022-07-17. Review status: criteria provided, single submitter. Criteria: Ambry Variant Classification Scheme 2023. Collection method: clinical testing. Allele origin: germline. Not counted in ClinVar's aggregate classification.
Comment: The c.964G>A (p.A322T) alteration is located in exon 9 (coding exon 9) of the PAH gene. This alteration results from a G to A substitution at nucleotide position 964, causing the alanine (A) at amino acid position 322 to be replaced by a threonine (T). Based on data from gnomAD, the A allele has an overall frequency of 0.01% (18/251230) total alleles studied. The highest observed frequency was 0.03% (8/30612) of South Asian alleles. This alteration was detected in conjunction with another alteration in PAH in multiple individuals with phenylalanine hydroxylase deficiency (Polak, 2013; Tao, 2015; Liu, 2015; Ald&aacute;miz-Echevarr&iacute;a, 2016; Wang, 2021). This amino acid position is highly conserved in available vertebrate species. Based on internal structural analysis, the variant is located on the catalytic site and disturbs the substrate binding (Koshiba, 2020; Erlandsen, 1998; Sterl, 2013; Andersen, 2003). This alteration is predicted to be deleterious by in silico analysis. Based on the available evidence, this alteration is classified as pathogenic.

Revvity Omics, Revvity
Classification: Pathogenic for Phenylketonuria. Last evaluated: 2022-01-07. Review status: criteria provided, single submitter. Criteria: ACMG Guidelines, 2015. Collection method: clinical testing. Allele origin: germline. Not counted in ClinVar's aggregate classification.

Fulgent Genetics
Classification: Likely pathogenic for Phenylketonuria. Last evaluated: 2021-12-08. Review status: criteria provided, single submitter. Criteria: ACMG Guidelines, 2015. Collection method: clinical testing. Allele origin: unknown. Not counted in ClinVar's aggregate classification.

DeBelle Laboratory for Biochemical Genetics, MUHC/MCH RESEARCH INSTITUTE
No classification provided. Review status: no classification provided. Collection method: not provided. Allele origin: not provided. Not counted in ClinVar's aggregate classification.

Literature cited by the submitters: PubMed 26322415 (cited by 4 submitters); PubMed 18590700 (cited by 4 submitters); PubMed 23764561 (cited by 3 submitters); PubMed 26600521 (cited by 3 submitters); PubMed 27121329 (cited by 4 submitters); PubMed 1301200 (cited by Labcorp Genetics (formerly Invitae), Labcorp); PubMed 9450897 (cited by Labcorp Genetics (formerly Invitae), Labcorp); PubMed 21871829 (cited by Labcorp Genetics (formerly Invitae), Labcorp); PubMed 27469133 (cited by Labcorp Genetics (formerly Invitae), Labcorp); PubMed 30050108 (cited by Women's Health and Genetics/Laboratory Corporation of America, LabCorp); PubMed 32668217 (cited by Women's Health and Genetics/Laboratory Corporation of America, LabCorp and Quest Diagnostics Nichols Institute San Juan Capistrano); PubMed 33980295 (cited by 3 submitters); PubMed 33177615 (cited by Quest Diagnostics Nichols Institute San Juan Capistrano and Ambry Genetics); PubMed 36104584 (cited by Quest Diagnostics Nichols Institute San Juan Capistrano); PubMed 1301187 (cited by Quest Diagnostics Nichols Institute San Juan Capistrano); PubMed 26503515 (cited by Quest Diagnostics Nichols Institute San Juan Capistrano); PubMed 28982351 (cited by Quest Diagnostics Nichols Institute San Juan Capistrano); PubMed 25525159 (cited by Quest Diagnostics Nichols Institute San Juan Capistrano); PubMed 9843368 (cited by Ambry Genetics); PubMed 14568534 (cited by Ambry Genetics); PubMed 22526846 (cited by Ambry Genetics).